The following is an entry in ClinVar:

NM_004006.3(DMD):c.9184del (p.Glu3062fs)

Gene: DMD (dystrophin; minus strand). Cytogenetic location: Xp21.2.
Variant type: Deletion.
Coding change: c.9184del on transcript NM_004006.3 (MANE Select); coding-DNA position 9184, one base deleted (G; older notation c.9184delG).
Protein change: p.Glu3062fs; shifts the reading frame from glutamic acid 3062.
Molecular consequence: frameshift variant.
Genome position (GRCh38, 1-based): chrX:31,323,638, C deleted on the plus strand (G on the coding strand, the reverse complement: DMD is on the minus strand); the first of 3 consecutive C bases (chrX:31,323,638-31,323,640); deleting any one gives the same sequence. VCF-style (leftmost placement, unchanged base first): chrX-31323637-TC-T. GRCh37 (hg19) VCF-style: chrX-31341754-TC-T.
Other names: c.9184delG (NM_004006.3); c.9160del, p.Glu3054fs (NM_000109.4); c.9172del, p.Glu3058fs (NM_004009.3); c.8815del, p.Glu2939fs (NM_004010.3); c.5161del, p.Glu1721fs (NM_004011.4); c.5152del, p.Glu1718fs (NM_004012.4); c.1804del, p.Glu602fs (NM_004013.3, NM_004020.4, NM_004021.3 and 2 more transcripts); c.997del, p.Glu333fs (NM_004014.3); short protein forms E1718fs, E1721fs, E2939fs, E3054fs, E3058fs, E3062fs, E333fs, E602fs.
Identifiers: ClinVar variation 1698468 (VCV001698468.2), dbSNP rs2148297268, ClinGen allele CA2580100575.

ClinVar aggregate classification (germline): Pathogenic (1 of 4 stars; one submission).

Conditions:
Neuromuscular disease caused by qualitative or quantitative defects of dystrophin. Also called: Qualitative or quantitative defects of dystrophin. Identifiers: Orphanet 207085, MedGen C5679787, MONDO:0016147.

Submission:

Women's Health and Genetics/Laboratory Corporation of America, LabCorp
Classification: Pathogenic for Neuromuscular disease caused by qualitative or quantitative defects of dystrophin. Last evaluated: 2023-10-27. Review status: criteria provided, single submitter. Criteria: LabCorp Variant Classification Summary - May 2015. Collection method: clinical testing. Allele origin: germline.
Comment: Variant summary: DMD c.9184delG (p.Glu3062ArgfsX27) results in a premature termination codon, predicted to cause absence of the protein due to nonsense mediated decay, which is a commonly known mechanism for disease. The variant was absent in 181352 control chromosomes. To our knowledge, no occurrence of c.9184delG in individuals affected with Duchenne Muscular Dystrophy and no experimental evidence demonstrating its impact on protein function have been reported. No submitters have cited clinical-significance assessments for this variant to ClinVar after 2014. Based on the evidence outlined above, the variant was classified as pathogenic.